The following is an entry in ClinVar:

NM_015295.3(SMCHD1):c.3769C>G (p.Leu1257Val)

Gene: SMCHD1 (structural maintenance of chromosomes flexible hinge domain containing 1; plus strand). Cytogenetic location: 18p11.32.
Variant type: single nucleotide variant.
Coding change: c.3769C>G on transcript NM_015295.3 (MANE Select); coding-DNA position 3769, C replaced by G.
Protein change: p.Leu1257Val; replaces leucine 1257 with valine.
Molecular consequence: missense variant.
Genome position (GRCh38, 1-based): chr18:2,743,896, C>G. VCF-style: chr18-2743896-C-G. GRCh37 (hg19) VCF-style: chr18-2743894-C-G.
Other names: short protein forms L1257V.
Identifiers: ClinVar variation 1993692 (VCV001993692.4), dbSNP rs766226383, ClinGen allele CA401689703.

ClinVar aggregate classification (germline): Uncertain significance (1 of 4 stars; one submission).

Conditions:
Facioscapulohumeral muscular dystrophy 2 (FSHD2). Also called: FACIOSCAPULOHUMERAL MUSCULAR DYSTROPHY 2, DIGENIC; FSHD2, DIGENIC; MUSCULAR DYSTROPHY, FACIOSCAPULOHUMERAL, TYPE 1B. Identifiers: Orphanet 269, MedGen C1834671, MONDO:0008031, OMIM 158901.

Submission:

Labcorp Genetics (formerly Invitae), Labcorp
Classification: Uncertain significance for Facioscapulohumeral muscular dystrophy 2. Last evaluated: 2022-05-12. Review status: criteria provided, single submitter. Criteria: Invitae Variant Classification Sherloc (09022015). Collection method: clinical testing. Allele origin: germline.
Comment: This variant is not present in population databases (gnomAD no frequency). This sequence change replaces leucine, which is neutral and non-polar, with valine, which is neutral and non-polar, at codon 1257 of the SMCHD1 protein (p.Leu1257Val). In summary, the available evidence is currently insufficient to determine the role of this variant in disease. Therefore, it has been classified as a Variant of Uncertain Significance. Algorithms developed to predict the effect of missense changes on protein structure and function are either unavailable or do not agree on the potential impact of this missense change (SIFT: "Deleterious"; PolyPhen-2: "Benign"; Align-GVGD: "Class C0"). This variant has not been reported in the literature in individuals affected with SMCHD1-related conditions.